The following is an entry in ClinVar:

NM_001111125.3(IQSEC2):c.3082G>A (p.Val1028Met)

Gene: IQSEC2 (IQ motif and Sec7 domain ArfGEF 2; minus strand). Cytogenetic location: Xp11.22.
Variant type: single nucleotide variant.
Coding change: c.3082G>A on transcript NM_001111125.3 (MANE Select); coding-DNA position 3082, G replaced by A.
Protein change: p.Val1028Met; replaces valine 1028 with methionine.
Molecular consequence: missense variant.
Genome position (GRCh38, 1-based): chrX:53,239,228, C>T on the plus strand (G>A on the coding strand, the complement: IQSEC2 is on the minus strand). VCF-style: chrX-53239228-C-T. GRCh37 (hg19) VCF-style: chrX-53268410-C-T.
Other names: c.2467G>A, p.Val823Met (NM_015075.2); short protein forms V1028M, V823M.
Identifiers: ClinVar variation 426422 (VCV000426422.2), dbSNP rs1085307618, ClinGen allele CA413147570.

ClinVar aggregate classification (germline): Uncertain significance (1 of 4 stars; one submission).

Allele frequency attached by ClinVar (database versions not stated): TOPMed below 0.00001; gnomAD 0.00001 and 0.00002; gnomAD exomes 0.00001.
gnomAD v4.1: 6 of 1,208,537 alleles (0.0005%); highest among the groups gnomAD compares: African/African-American, 0.0018%; no homozygotes.

Submission:

GeneDx
Classification: Uncertain significance. Last evaluated: 2017-04-17. Review status: criteria provided, single submitter. Criteria: GeneDx Variant Classification (06012015). Collection method: clinical testing. Allele origin: germline. Affected: yes.
Comment: A variant of uncertain significance has been identified in the IQSEC2 gene. The V1028M variant has not been published as a pathogenic variant, nor has it been reported as a benign variant to our knowledge. The V1028M variant is not observed in large population cohorts (Lek et al., 2016; 1000 Genomes Consortium et al., 2015; Exome Variant Server). This substitution occurs at a position that is conserved across species. However, the V1028M variant is a conservative amino acid substitution, which is not likely to impact secondary protein structure as these residues share similar properties. In silico analysis is inconsistent in its predictions as to whether or not the variant is damaging to the protein structure/function. Therefore, based on the currently available information, it is unclear whether this variant is a pathogenic variant or a rare benign variant.